The following is an entry in ClinVar:

ClinVar aggregate classification (germline): Uncertain significance (1 of 4 stars; one submission).

Conditions:
LTBP4-related disorder. Also called: LTBP4-related condition.

Submission:

PreventionGenetics, part of Exact Sciences
Classification: Uncertain significance for LTBP4-related condition. Last evaluated: 2025-07-17. Review status: criteria provided, single submitter. Criteria: ACMG Guidelines, 2015. Collection method: clinical testing. Allele origin: germline.
Comment: The LTBP4 c.4417C>T variant is predicted to result in the amino acid substitution p.Pro1473Ser. To our knowledge, this variant has not been reported in the literature or in a large population database (gnomAD), indicating this variant is rare. At this time, the clinical significance of this variant is uncertain due to the absence of conclusive functional and genetic evidence.

NM_001042545.2(LTBP4):c.4327C>T (p.Pro1443Ser)

Gene: LTBP4 (latent transforming growth factor beta binding protein 4; plus strand). Cytogenetic location: 19q13.2.
Variant type: single nucleotide variant.
Coding change: c.4327C>T on transcript NM_001042545.2 (MANE Select); coding-DNA position 4327, C replaced by T.
Protein change: p.Pro1443Ser; replaces proline 1443 with serine.
Molecular consequence: missense variant.
Genome position (GRCh38, 1-based): chr19:40,627,316, C>T. VCF-style: chr19-40627316-C-T. GRCh37 (hg19) VCF-style: chr19-41133221-C-T.
Other names: c.4528C>T, p.Pro1510Ser (NM_001042544.1); c.4417C>T, p.Pro1473Ser (NM_003573.2); short protein forms P1510S, P1443S, P1473S.
Identifiers: ClinVar variation 5001515 (VCV005001515.1).